The following is an entry in ClinVar:

NM_003562.5(SLC25A11):c.828C>A (p.Phe276Leu)

Gene: SLC25A11 (solute carrier family 25 member 11; minus strand). Cytogenetic location: 17p13.2.
Variant type: single nucleotide variant.
Coding change: c.828C>A on transcript NM_003562.5 (MANE Select); coding-DNA position 828, C replaced by A.
Protein change: p.Phe276Leu; replaces phenylalanine 276 with leucine.
Molecular consequence: missense variant.
Genome position (GRCh38, 1-based): chr17:4,937,858, G>T on the plus strand (C>A on the coding strand, the complement: SLC25A11 is on the minus strand). VCF-style: chr17-4937858-G-T. GRCh37 (hg19) VCF-style: chr17-4841153-G-T.
Other names: c.795C>A, p.Phe265Leu (NM_001165417.2); c.675C>A, p.Phe225Leu (NM_001165418.2); short protein forms F225L, F265L, F276L.
Identifiers: ClinVar variation 1319152 (VCV001319152.10), dbSNP rs147584261, ClinGen allele CA8315169.

ClinVar aggregate classification (germline): Conflicting classifications of pathogenicity. Review status: criteria provided, conflicting classifications (1 of 4 stars). 5 submissions from 5 submitters: Uncertain significance (4); Likely benign (1). Last evaluated 2025-08-24.

Conditions:
Pheochromocytoma/paraganglioma syndrome 6. Also called: Paragangliomas 6. Identifiers: MedGen C5193112, MONDO:0032767, OMIM 618464.

Allele frequency attached by ClinVar (database versions not stated): gnomAD 0.00023 and 0.00024; TOPMed 0.00025; ESP Exome Variant Server 0.00031; gnomAD exomes 0.00030 and 0.00024; ExAC 0.00032.

Submissions (5):

Labcorp Genetics (formerly Invitae), Labcorp
Classification: Uncertain significance. Last evaluated: 2025-08-24. Review status: criteria provided, single submitter. Criteria: Invitae Variant Classification Sherloc (09022015). Collection method: clinical testing. Allele origin: germline.
Comment: This sequence change replaces phenylalanine, which is neutral and non-polar, with leucine, which is neutral and non-polar, at codon 276 of the SLC25A11 protein (p.Phe276Leu). This variant is present in population databases (rs147584261, gnomAD 0.09%), and has an allele count higher than expected for a pathogenic variant. This variant has not been reported in the literature in individuals affected with SLC25A11-related conditions. ClinVar contains an entry for this variant (Variation ID: 1319152). Invitae Evidence Modeling of protein sequence and biophysical properties (such as structural, functional, and spatial information, amino acid conservation, physicochemical variation, residue mobility, and thermodynamic stability) indicates that this missense variant is not expected to disrupt SLC25A11 protein function with a negative predictive value of 80%. In summary, the available evidence is currently insufficient to determine the role of this variant in disease. Therefore, it has been classified as a Variant of Uncertain Significance.

Laboratory of Genetics, Children's Clinical University Hospital Latvia
Classification: Likely benign. Last evaluated: 2025-02-16. Review status: criteria provided, single submitter. Criteria: ACMG Guidelines, 2015. Collection method: clinical testing. Allele origin: germline. Affected: yes.

Ambry Genetics
Classification: Uncertain significance. Last evaluated: 2024-11-28. Review status: criteria provided, single submitter. Criteria: Ambry Variant Classification Scheme 2023. Collection method: clinical testing. Allele origin: germline.

Department of Pathology and Laboratory Medicine, Sinai Health System
Classification: Uncertain significance for Pheochromocytoma/paraganglioma syndrome 6. Last evaluated: 2022-11-07. Review status: criteria provided, single submitter. Criteria: ACMG Guidelines, 2015. Collection method: research. Allele origin: germline.

Institute for Clinical Genetics, University Hospital TU Dresden, University Hospital TU Dresden
Classification: Uncertain significance. Last evaluated: 2021-11-03. Review status: criteria provided, single submitter. Criteria: ACMG Guidelines, 2015. Collection method: clinical testing. Allele origin: germline.